The following is an entry in ClinVar:

ClinVar aggregate classification (germline): Pathogenic/Likely pathogenic. Review status: criteria provided, multiple submitters, no conflicts (2 of 4 stars). 3 submissions from 3 submitters: Pathogenic (1); Likely pathogenic (1). 1 of the submissions does not count toward it. Last evaluated 2023-11-11.

Conditions:
COL11A1-related disorder. Also called: COL11A1-related condition; COL11A1-related disorders.
Stickler syndrome type 2 (STL2). Also called: STICKLER SYNDROME, BEADED VITREOUS TYPE; STICKLER SYNDROME, VITREOUS TYPE 2; STICKLER SYNDROME, TYPE II; COL11A1-Related Stickler Syndrome. Identifiers: Orphanet 828, Orphanet 90654, MedGen C1858084, MONDO:0011493, OMIM 604841.

Submissions (3):

Labcorp Genetics (formerly Invitae), Labcorp
Classification: Pathogenic. Last evaluated: 2023-11-11. Review status: criteria provided, single submitter. Criteria: Invitae Variant Classification Sherloc (09022015). Collection method: clinical testing. Allele origin: germline.
Comment: This sequence change affects a donor splice site in intron 38 of the COL11A1 gene. It is expected to disrupt RNA splicing. Variants that disrupt the donor or acceptor splice site typically lead to a loss of protein function (PMID: 16199547), and loss-of-function variants in COL11A1 are known to be pathogenic (PMID: 20513134, 21035103, 23922384, 25240749, 32427345, 32756486). This variant is not present in population databases (gnomAD no frequency). Disruption of this splice site has been observed in individuals with clinical features of autosomal dominant Stickler syndrome (PMID: 10486316). ClinVar contains an entry for this variant (Variation ID: 1687305). Algorithms developed to predict the effect of sequence changes on RNA splicing suggest that this variant may disrupt the consensus splice site. For these reasons, this variant has been classified as Pathogenic.

3billion
Classification: Likely pathogenic for Stickler syndrome type 2. Last evaluated: 2022-05-22. Review status: criteria provided, single submitter. Criteria: ACMG Guidelines, 2015. Collection method: clinical testing. Allele origin: germline. Affected: yes. Observed: 1 heterozygote.
Comment: The variant is not observed in the gnomAD v2.1.1 dataset. Canonical splice site: predicted to alter splicing and result in a loss or disruption of normal protein function through nonsense-mediated decay (NMD) or protein truncation. Multiple pathogenic variants are reported downstream of the variant. Therefore, this variant is classified as likely pathogenic according to the recommendation of ACMG/AMP guideline.

PreventionGenetics, part of Exact Sciences
Classification: Likely pathogenic for COL11A1-related condition. Last evaluated: 2024-02-14. Review status: no assertion criteria provided. Collection method: clinical testing. Allele origin: germline. Not counted in ClinVar's aggregate classification.
Comment: The COL11A1 c.2916+1G>A variant is predicted to disrupt the GT donor site and interfere with normal splicing. To our knowledge, this variant has not been reported in the literature or in a large population database, indicating this variant is rare. Nearby splicing variants (c.2916+1G>T and c.2916+2T>C) were reported in individuals with Marshall/Stickler Phenotype (Annunen. 1999. PubMed ID: 10486316). Variants that disrupt the consensus splice donor site in COL11A1 are expected to be pathogenic. This variant is interpreted as likely pathogenic.

Literature cited by the submitters: PubMed 16199547 (cited by Labcorp Genetics (formerly Invitae), Labcorp); PubMed 20513134 (cited by Labcorp Genetics (formerly Invitae), Labcorp); PubMed 21035103 (cited by Labcorp Genetics (formerly Invitae), Labcorp); PubMed 23922384 (cited by Labcorp Genetics (formerly Invitae), Labcorp); PubMed 25240749 (cited by Labcorp Genetics (formerly Invitae), Labcorp); PubMed 32427345 (cited by Labcorp Genetics (formerly Invitae), Labcorp); PubMed 32756486 (cited by Labcorp Genetics (formerly Invitae), Labcorp); PubMed 10486316 (cited by Labcorp Genetics (formerly Invitae), Labcorp).

NM_001854.4(COL11A1):c.2916+1G>A

Gene: COL11A1 (collagen type XI alpha 1 chain; minus strand). Cytogenetic location: 1p21.1.
Variant type: single nucleotide variant.
Coding change: c.2916+1G>A on transcript NM_001854.4 (MANE Select); the canonical splice donor site of the intron after coding-DNA position 2916, G replaced by A.
Molecular consequence: splice donor variant.
Genome position (GRCh38, 1-based): chr1:102,965,486, C>T on the plus strand (G>A on the coding strand, the complement: COL11A1 is on the minus strand). VCF-style: chr1-102965486-C-T. GRCh37 (hg19) VCF-style: chr1-103431042-C-T.
Other names: c.2916+1G>A (NM_001854.3); c.2799+1G>A (NM_001190709.2); c.2952+1G>A (NM_080629.3); c.2568+1G>A (NM_080630.4).
Identifiers: ClinVar variation 1687305 (VCV001687305.8), dbSNP rs2101595036, ClinGen allele CA341159576.
Genomic context (GRCh38, chr1:102,965,486, plus strand): 5'-GGAAGGTTAAAATGTAAACAAAAAATAAATCTTGCTTGGGAAATAAAGCAAAGGAACATA[C>T]CTGTGGTCCAACCACTCCCCCTGGCCCAGGAGGGCCGGTCTTGCCTTGAAATCCCTAAGG-3'